The following is an entry in ClinVar:

ClinVar aggregate classification (germline): Conflicting classifications of pathogenicity. Review status: criteria provided, conflicting classifications (1 of 4 stars). 4 submissions from 4 submitters: Uncertain significance (1); Benign (1); Likely benign (2). Last evaluated 2025-07-21.

Conditions:
Spinocerebellar ataxia type 42. Identifiers: Orphanet 458803, MedGen C4225205, MONDO:0014776, OMIM 616795.

Allele frequency attached by ClinVar (database versions not stated): gnomAD exomes 0.00002; ExAC 0.00014; TOPMed 0.00036; gnomAD 0.00040; 1000 Genomes Project 0.00080; 1000 Genomes Project 30x 0.00125.
gnomAD v4.1: 88 of 1,522,230 alleles (0.0058%); highest among the groups gnomAD compares: African/African-American, 0.098%; no homozygotes.

Submissions (4):

Women's Health and Genetics/Laboratory Corporation of America, LabCorp
Classification: Likely benign. Last evaluated: 2025-07-21. Review status: criteria provided, single submitter. Criteria: LabCorp Variant Classification Summary - May 2015. Collection method: clinical testing. Allele origin: germline.
Comment: Variant summary: CACNA1G c.5776C>T (p.Pro1926Ser) results in a non-conservative amino acid change in the encoded protein sequence. Algorithms developed to predict the effect of missense changes on protein structure and function are either unavailable or do not agree on the potential impact of this missense change. The variant allele was found at a frequency of 0.00011 in 168212 control chromosomes, predominantly at a frequency of 0.0012 within the African or African-American subpopulation in the gnomAD database. The observed variant frequency within African or African-American control individuals in the gnomAD database exceeds the estimated maximal expected allele frequency for a pathogenic variant in CACNA1G causing Spinocerebellar Ataxia Type 42 phenotype. To our knowledge, no occurrence of c.5776C>T in individuals affected with Spinocerebellar Ataxia Type 42 and no experimental evidence demonstrating its impact on protein function have been reported. ClinVar contains an entry for this variant (Variation ID: 2049186). Based on the evidence outlined above, the variant was classified as likely benign.

Labcorp Genetics (formerly Invitae), Labcorp
Classification: Benign. Last evaluated: 2025-06-03. Review status: criteria provided, single submitter. Criteria: Invitae Variant Classification Sherloc (09022015). Collection method: clinical testing. Allele origin: germline.

Blueprint Genetics
Classification: Likely benign. Last evaluated: 2023-07-12. Review status: criteria provided, single submitter. Criteria: ACMG Guidelines, 2015. Collection method: clinical testing. Allele origin: germline.

Department of Pathology and Laboratory Medicine, Sinai Health System
Classification: Uncertain significance for spinocerebellar ataxia type 42. Last evaluated: 2020-06-01. Review status: criteria provided, single submitter. Criteria: ACMG Guidelines, 2015. Collection method: research. Allele origin: germline.

NM_018896.5(CACNA1G):c.5776C>T (p.Pro1926Ser)

Gene: CACNA1G (calcium voltage-gated channel subunit alpha1 G; plus strand). Cytogenetic location: 17q21.33.
Variant type: single nucleotide variant.
Coding change: c.5776C>T on transcript NM_018896.5 (MANE Select); coding-DNA position 5776, C replaced by T.
Protein change: p.Pro1926Ser; replaces proline 1926 with serine.
Molecular consequence: missense variant. On other transcripts: non-coding transcript variant (5).
Genome position (GRCh38, 1-based): chr17:50,619,003, C>T. VCF-style: chr17-50619003-C-T. GRCh37 (hg19) VCF-style: chr17-48696364-C-T.
Other names: c.5722C>T, p.Pro1908Ser (NM_001256324.2, NM_198386.3); c.5797C>T, p.Pro1933Ser (NM_001256325.2); c.5641C>T, p.Pro1881Ser (NM_001256326.2, NM_001256330.2); c.5755C>T, p.Pro1919Ser (NM_001256327.2); c.5701C>T, p.Pro1901Ser (NM_001256328.2); c.5674C>T, p.Pro1892Ser (NM_001256329.2, NM_198376.3, NM_198379.3 and 2 more transcripts); c.5620C>T, p.Pro1874Ser (NM_001256331.2); c.5605C>T, p.Pro1869Ser (NM_001256332.2); and 7 more; short protein forms P1915S, P1919S, P1888S, P1892S, P1899S, P1901S, P1903S, P1869S.
Identifiers: ClinVar variation 2049186 (VCV002049186.7), dbSNP rs541541250, ClinGen allele CA8653463.